The following is an entry in ClinVar:

NM_002485.5(NBN):c.124A>G (p.Ser42Gly)

Gene: NBN (nibrin; minus strand). Cytogenetic location: 8q21.3.
Variant type: single nucleotide variant.
Coding change: c.124A>G on transcript NM_002485.5 (MANE Select); coding-DNA position 124, A replaced by G.
Protein change: p.Ser42Gly; replaces serine 42 with glycine.
Molecular consequence: missense variant. On other transcripts: 5 prime UTR variant (3).
Genome position (GRCh38, 1-based): chr8:89,982,769, T>C on the plus strand (A>G on the coding strand, the complement: NBN is on the minus strand). VCF-style: chr8-89982769-T-C. GRCh37 (hg19) VCF-style: chr8-90994997-T-C.
Other names: c.-173A>G (NM_001024688.3, NM_001440380.1); c.-123A>G (NM_001440379.1); short protein forms S42G.
Identifiers: ClinVar variation 5025386 (VCV005025386.1).

ClinVar aggregate classification (germline): Uncertain significance (1 of 4 stars; one submission).

Conditions:
Hereditary cancer-predisposing syndrome. Also called: Neoplastic Syndromes, Hereditary; Tumor predisposition; Hereditary neoplastic syndrome; Hereditary Cancer Syndrome. Identifiers: Orphanet 140162, MedGen C0027672, MeSH D009386, MONDO:0015356.

gnomAD v4.1: 1 of 1,614,052 alleles (0.000062%); highest among the groups gnomAD compares: Non-Finnish European, 0.000085%; no homozygotes.

Submission:

Ambry Genetics
Classification: Uncertain significance for Hereditary cancer-predisposing syndrome. Last evaluated: 2026-07-06. Review status: criteria provided, single submitter. Criteria: Ambry Variant Classification Scheme 2023. Collection method: clinical testing. Allele origin: germline.
Comment: The p.S42G variant (also known as c.124A>G), located in coding exon 2 of the NBN gene, results from an A to G substitution at nucleotide position 124. The serine at codon 42 is replaced by glycine, an amino acid with similar properties. This amino acid position is conserved. In addition, this alteration is predicted to be deleterious by in silico analysis. Based on the available evidence, the clinical significance of this variant remains unclear.